The following is an entry in ClinVar:

ClinVar aggregate classification (germline): Uncertain significance (1 of 4 stars; one submission).

Submission:

Labcorp Genetics (formerly Invitae), Labcorp
Classification: Uncertain significance. Last evaluated: 2025-09-11. Review status: criteria provided, single submitter. Criteria: Invitae Variant Classification Sherloc (09022015). Collection method: clinical testing. Allele origin: germline.
Comment: This sequence change replaces aspartic acid, which is acidic and polar, with tyrosine, which is neutral and polar, at codon 135 of the KL protein (p.Asp135Tyr). This variant is not present in population databases (gnomAD no frequency). This variant has not been reported in the literature in individuals affected with KL-related conditions. ClinVar contains an entry for this variant (Variation ID: 1938072). Invitae Evidence Modeling of protein sequence and biophysical properties (such as structural, functional, and spatial information, amino acid conservation, physicochemical variation, residue mobility, and thermodynamic stability) indicates that this missense variant is expected to disrupt KL protein function with a positive predictive value of 80%. In summary, the available evidence is currently insufficient to determine the role of this variant in disease. Therefore, it has been classified as a Variant of Uncertain Significance.

NM_004795.4(KL):c.403G>T (p.Asp135Tyr)

Gene: KL (klotho; plus strand). Cytogenetic location: 13q13.1.
Variant type: single nucleotide variant.
Coding change: c.403G>T on transcript NM_004795.4 (MANE Select); coding-DNA position 403, G replaced by T.
Protein change: p.Asp135Tyr; replaces aspartic acid 135 with tyrosine.
Molecular consequence: missense variant.
Genome position (GRCh38, 1-based): chr13:33,016,843, G>T. VCF-style: chr13-33016843-G-T. GRCh37 (hg19) VCF-style: chr13-33590981-G-T.
Other names: short protein forms D135Y.
Identifiers: ClinVar variation 1938072 (VCV001938072.5), dbSNP rs2501696974, ClinGen allele CA387781281.